The following is an entry in ClinVar:

ClinVar aggregate classification (germline): Pathogenic/Likely pathogenic. Review status: criteria provided, multiple submitters, no conflicts (2 of 4 stars). 6 submissions from 6 submitters: Pathogenic (1); Likely pathogenic (3). 2 of the submissions do not count toward it. Last evaluated 2023-08-04.

Conditions:
Neonatal severe primary hyperparathyroidism. Identifiers: Orphanet 417, MedGen C1832615, MONDO:0009397, OMIM 239200.
Familial hypocalciuric hypercalcemia 1. Also called: Hypercalcemia, familial benign type 1. Identifiers: Orphanet 405, Orphanet 93372, MedGen C0342637, MONDO:0007791, OMIM 145980.
Epilepsy, idiopathic generalized, susceptibility to, 8. Identifiers: MedGen C2752062, MONDO:0013032, OMIM 612899.
Autosomal dominant hypocalcemia 1 (HYPOC1). Also called: HYPOCALCEMIA, FAMILIAL. Identifiers: MedGen C3715128, MONDO:0011013, OMIM 601198.
Nephrolithiasis/nephrocalcinosis. Identifiers: MedGen CN580796.
CASR-related disorder. Also called: CASR-related condition.

Submissions (6):

Ambry Genetics
Classification: Likely pathogenic for Nephrolithiasis/nephrocalcinosis. Last evaluated: 2023-08-04. Review status: criteria provided, single submitter. Criteria: Ambry Variant Classification Scheme 2023. Collection method: clinical testing. Allele origin: germline.
Comment: The c.379G>A (p.E127K) alteration is located in exon 3 (coding exon 2) of the CASR gene. This alteration results from a G to A substitution at nucleotide position 379, causing the glutamic acid (E) at amino acid position 127 to be replaced by a lysine (K). Based on the available evidence, the CASR c.379G>A (p.E127K) alteration is classified as likely pathogenic for autosomal dominant CASR-related hypocalcemia; however, it is unlikely to be causative of autosomal recessive neonatal hyperparathyroidism and autosomal dominant hypocalciuric hypercalcemia. This variant was not reported in population-based cohorts in the Genome Aggregation Database (gnomAD). This variant has been reported as de novo in two individuals with features consistent with CASR-related hypocalcemia (Lienhardt, 2001; Hawkes, 2020). This amino acid position is highly conserved in available vertebrate species. In vitro functional studies showed that the mutant receptor has increased sensitivity to extracellular calcium (Lienhardt, 2001; Quinn, 2004). The in silico prediction for this alteration is inconclusive. Based on the available evidence, this alteration is classified as likely pathogenic.

Genetics and Molecular Pathology, SA Pathology
Classification: Likely pathogenic for Autosomal dominant hypocalcemia 1. Last evaluated: 2023-06-21. Review status: criteria provided, single submitter. Criteria: ACMG Guidelines, 2015. Collection method: clinical testing. Allele origin: germline. Inheritance: Autosomal dominant inheritance. Affected: yes.
Comment: The CASR c.379G>A variant is classified as Likely Pathogenic (PM2, PS4_Moderate, PM6, PS3_Supporting, PP3) The CASR c.379G>A variant is a single nucleotide change in exon 3/7 of the CASR gene, which is predicted to change the amino acid glutamic acid at position 127 in the protein to lysine. This variant is absent from population databases (PM2). This variant has been identified as a de novo variant in two unrelated affected individuals presenting with phenotypes including hypocalcaemia, seizure and hypoparathyroidism (PS4_moderate, PM6). Functional studies by Lienhardt et al 2001 (PMID: 11701698) demonstrate a gain of function effect for the variant (PS3_Supporting). Computational predictions support a deleterious effect on the gene or gene product (PP3). The variant has been reported in the HGMD database as disease causing (CM013356) and has been reported as Pathogenic by other diagnostic laboratories (ClinVar Variation ID: 977805). It has not been reported in dbSNP.

Fulgent Genetics
Classification: Likely pathogenic for Familial hypocalciuric hypercalcemia 1; Neonatal severe primary hyperparathyroidism; Autosomal dominant hypocalcemia 1; Epilepsy, idiopathic generalized, susceptibility to, 8. Last evaluated: 2022-05-14. Review status: criteria provided, single submitter. Criteria: ACMG Guidelines, 2015. Collection method: clinical testing. Allele origin: unknown.

GeneDx
Classification: Pathogenic. Last evaluated: 2019-08-28. Review status: criteria provided, single submitter. Criteria: GeneDx Variant Classification Process June 2021. Collection method: clinical testing. Allele origin: germline. Affected: yes.
Comment: Published functional studies demonstrate a damaging effect (Lienhardt et al., 2001); Not observed in large population cohorts (Lek et al., 2016); This variant is associated with the following publications: (PMID: 11701698)

PreventionGenetics, part of Exact Sciences
Classification: Likely pathogenic for CASR-related condition. Last evaluated: 2024-08-07. Review status: no assertion criteria provided. Collection method: clinical testing. Allele origin: germline. Not counted in ClinVar's aggregate classification.
Comment: The CASR c.379G>A variant is predicted to result in the amino acid substitution p.Glu127Lys. This variant was reported to occur de novo in at least two unrelated individuals with autosomal dominant hypocalcemia and hypoparathyroidism (Lienhardt et al 2001. PubMed ID: 11701698; Hawkes CP et al 2020. PubMed ID: 33112267). Functional studies indicate this variant results in a gain-of-function of the Ca-sensing receptor (Lienhardt et al 2001. PubMed ID: 11701698). This variant has not been reported in a large population database, indicating this variant is rare. Other amino acid substitutions at this position (p.Glu127Ala, p.Glu127Gly) have also been reported in patients with CASR-related disorders (Pollak et al 1994. PubMed ID: 7874174; Hannan et al 2012. PubMed ID: 22422767). This variant is interpreted as likely pathogenic.

Center for Bone Health, The Children's Hospital of Philadelphia
Classification: Pathogenic for Autosomal dominant hypocalcemia 1. Review status: no assertion criteria provided. Collection method: clinical testing. Allele origin: de novo. Inheritance: Autosomal dominant inheritance. Affected: yes. Observed: 1 heterozygote. Not counted in ClinVar's aggregate classification.

Literature cited by the submitters: PubMed 11701698 (cited by Ambry Genetics and Genetics and Molecular Pathology, SA Pathology); PubMed 15201280 (cited by Ambry Genetics); PubMed 33112267 (cited by Ambry Genetics).

NM_000388.4(CASR):c.379G>A (p.Glu127Lys)

Gene: CASR (calcium sensing receptor; plus strand). Cytogenetic location: 3q21.1.
Variant type: single nucleotide variant.
Coding change: c.379G>A on transcript NM_000388.4 (MANE Select); coding-DNA position 379, G replaced by A.
Protein change: p.Glu127Lys; replaces glutamic acid 127 with lysine.
Molecular consequence: missense variant.
Genome position (GRCh38, 1-based): chr3:122,257,274, G>A. VCF-style: chr3-122257274-G-A. GRCh37 (hg19) VCF-style: chr3-121976121-G-A.
Other names: c.379G>A, p.Glu127Lys (NM_001178065.2); c.379G>A (NM_001178065.1); short protein forms E127K.
Identifiers: ClinVar variation 977805 (VCV000977805.11), dbSNP rs2074565202, ClinGen allele CA354362773.
Genomic context (GRCh38, chr3:122,257,274, plus strand): 5'-GCCTTGGAAGCCACCCTGAGTTTTGTTGCTCAAAACAAAATTGATTCTTTGAACCTTGAT[G>A]AGTTCTGCAACTGCTCAGAGCACATTCCCTCTACGATTGCTGTGGTGGGAGCAACTGGCT-3'
Protein context (NP_000379.3, residues 117-137): QNKIDSLNLD[Glu127Lys]FCNCSEHIPS